The following is an entry in ClinVar:

NM_000834.5(GRIN2B):c.-18-10G>C

Gene: GRIN2B (glutamate ionotropic receptor NMDA type subunit 2B; minus strand). Cytogenetic location: 12p13.1.
Variant type: single nucleotide variant.
Coding change: c.-18-10G>C on transcript NM_000834.5 (MANE Select); 10 bases into the intron before 18 bases upstream of the start codon, G replaced by C.
Molecular consequence: intron variant.
Genome position (GRCh38, 1-based): chr12:13,866,236, C>G on the plus strand (G>C on the coding strand, the complement: GRIN2B is on the minus strand). VCF-style: chr12-13866236-C-G. GRCh37 (hg19) VCF-style: chr12-14019170-C-G.
Identifiers: ClinVar variation 205699 (VCV000205699.26), dbSNP rs146841522, ClinGen allele CA315029.

ClinVar aggregate classification (germline): Benign. Review status: criteria provided, multiple submitters, no conflicts (2 of 4 stars). 3 submissions from 3 submitters: Benign (3). Last evaluated 2024-07-01.

Allele frequency attached by ClinVar (database versions not stated): gnomAD exomes 0.00062; ExAC 0.00073; gnomAD 0.00209 and 0.00215; TOPMed 0.00224; ESP Exome Variant Server 0.00269; 1000 Genomes Project 0.00419; 1000 Genomes Project 30x 0.00453.
gnomAD v4.1: 750 of 1,600,480 alleles (0.047%); highest among the groups gnomAD compares: African/African-American, 0.7%; 2 homozygotes.

Submissions (3):

CeGaT Center for Human Genetics Tuebingen
Classification: Benign. Last evaluated: 2024-07-01. Review status: criteria provided, single submitter. Criteria: CeGaT Center For Human Genetics Tuebingen Variant Classification Criteria Version 2. Collection method: clinical testing. Allele origin: germline. Affected: yes. Observed: 5 variant alleles.
Comment: GRIN2B: BS1, BS2

GeneDx
Classification: Benign. Last evaluated: 2014-06-20. Review status: criteria provided, single submitter. Criteria: GeneDx Variant Classification (06012015). Collection method: clinical testing. Allele origin: germline. Affected: yes.
Comment: This variant is considered likely benign or benign based on one or more of the following criteria: it is a conservative change, it occurs at a poorly conserved position in the protein, it is predicted to be benign by multiple in silico algorithms, and/or has population frequency not consistent with disease.

Breakthrough Genomics
Classification: Benign. Review status: criteria provided, single submitter. Criteria: ACMG Guidelines, 2015. Collection method: not provided. Allele origin: germline. Inheritance: Autosomal dominant inheritance. Affected: yes.